The following is an entry in ClinVar:

NM_006907.4(PYCR1):c.40G>A (p.Ala14Thr)

Gene: PYCR1 (pyrroline-5-carboxylate reductase 1; minus strand). Cytogenetic location: 17q25.3.
Variant type: single nucleotide variant.
Coding change: c.40G>A on transcript NM_006907.4 (MANE Select); coding-DNA position 40, G replaced by A.
Protein change: p.Ala14Thr; replaces alanine 14 with threonine.
Molecular consequence: missense variant.
Genome position (GRCh38, 1-based): chr17:81,936,775, C>T on the plus strand (G>A on the coding strand, the complement: PYCR1 is on the minus strand). VCF-style: chr17-81936775-C-T. GRCh37 (hg19) VCF-style: chr17-79894651-C-T.
Other names: c.40G>A, p.Ala14Thr (NM_001282279.2, NM_001282280.2, NM_001330523.2 and 1 more transcripts); c.121G>A, p.Ala41Thr (NM_001282281.2); short protein forms A14T, A41T.
Identifiers: ClinVar variation 1985201 (VCV001985201.4), dbSNP rs759180800, ClinGen allele CA8845611.

ClinVar aggregate classification (germline): Uncertain significance (1 of 4 stars; one submission).

Allele frequency attached by ClinVar (database versions not stated): ExAC 0.00001; gnomAD 0.00001.
gnomAD v4.1: 3 of 1,610,240 alleles (0.00019%); highest among the groups gnomAD compares: African/African-American, 0.004%; no homozygotes.

Submission:

Labcorp Genetics (formerly Invitae), Labcorp
Classification: Uncertain significance. Last evaluated: 2022-05-17. Review status: criteria provided, single submitter. Criteria: Invitae Variant Classification Sherloc (09022015). Collection method: clinical testing. Allele origin: germline.
Comment: This variant has not been reported in the literature in individuals affected with PYCR1-related conditions. This sequence change replaces alanine, which is neutral and non-polar, with threonine, which is neutral and polar, at codon 14 of the PYCR1 protein (p.Ala14Thr). The frequency data for this variant in the population databases is considered unreliable, as metrics indicate poor data quality at this position in the gnomAD database. Algorithms developed to predict the effect of missense changes on protein structure and function are either unavailable or do not agree on the potential impact of this missense change (SIFT: "Deleterious"; PolyPhen-2: "Possibly Damaging"; Align-GVGD: "Class C0"). In summary, the available evidence is currently insufficient to determine the role of this variant in disease. Therefore, it has been classified as a Variant of Uncertain Significance.